The following is an entry in ClinVar:

NM_001482.3(GATM):c.99G>A (p.Gln33=)

Gene: GATM (glycine amidinotransferase; minus strand). Cytogenetic location: 15q21.1.
Variant type: single nucleotide variant.
Coding change: c.99G>A on transcript NM_001482.3 (MANE Select); coding-DNA position 99, G replaced by A.
Protein change: p.Gln33=; no amino-acid change (glutamine 33 retained).
Molecular consequence: synonymous variant. On other transcripts: 5 prime UTR variant (1).
Genome position (GRCh38, 1-based): chr15:45,376,790, C>T on the plus strand (G>A on the coding strand, the complement: GATM is on the minus strand). VCF-style: chr15-45376790-C-T. GRCh37 (hg19) VCF-style: chr15-45668988-C-T.
Other names: c.-289G>A (NM_001321015.2).
Identifiers: ClinVar variation 1315942 (VCV001315942.2), dbSNP rs2140657536, ClinGen allele CA490236688.

ClinVar aggregate classification (germline): Uncertain significance (1 of 4 stars; one submission).

Submission:

GeneDx
Classification: Uncertain significance. Last evaluated: 2019-11-14. Review status: criteria provided, single submitter. Criteria: GeneDx Variant Classification Process June 2021. Collection method: clinical testing. Allele origin: germline. Affected: yes.
Comment: Not observed in large population cohorts (Lek et al., 2016); Has not been previously published as pathogenic or benign to our knowledge